The following is an entry in ClinVar:

ClinVar aggregate classification (germline): Pathogenic. Review status: reviewed by expert panel (3 of 4 stars). 4 submissions from 4 submitters: Pathogenic (1). 3 of the submissions do not count toward it. Last evaluated 2016-09-08.

Conditions:
Hereditary breast ovarian cancer syndrome. Also called: Hereditary breast and ovarian cancer; Hereditary breast and ovarian cancer syndrome; Breast and ovarian cancer; Hereditary breast and ovarian cancer syndrome (HBOC); Hereditary breast and/or ovarian cancer syndrome; BRCA1- and BRCA2-Associated Hereditary Breast and Ovarian Cancer. Identifiers: Orphanet 145, MedGen C0677776, MeSH D061325, MONDO:0003582. Disease mechanism: loss of function.
Hereditary cancer-predisposing syndrome. Also called: Hereditary Cancer Syndrome; Neoplastic Syndromes, Hereditary; Tumor predisposition; Hereditary neoplastic syndrome. Identifiers: Orphanet 140162, MedGen C0027672, MeSH D009386, MONDO:0015356.
Breast-ovarian cancer, familial, susceptibility to, 2 (BROVCA2). Also called: BRCA2 Hereditary Breast and Ovarian Cancer. Identifiers: Orphanet 145, MedGen C2675520, MONDO:0012933, OMIM 612555. Disease mechanism: loss of function.

Submissions (4):

Evidence-based Network for the Interpretation of Germline Mutant Alleles (ENIGMA)
Classification: Pathogenic for Breast-ovarian cancer, familial, susceptibility to, 2. Last evaluated: 2016-09-08. Review status: reviewed by expert panel. Criteria: ENIGMA BRCA1/2 Classification Criteria (2015). Collection method: curation. Allele origin: germline.
Comment: Variant allele predicted to encode a truncated non-functional protein.

KCCC/NGS Laboratory, Kuwait Cancer Control Center
Classification: Pathogenic for Breast-ovarian cancer, familial, susceptibility to, 2. Last evaluated: 2025-08-04. Review status: criteria provided, single submitter. Criteria: ACMG Guidelines, 2015. Collection method: clinical testing. Allele origin: germline. Inheritance: Autosomal dominant inheritance. Affected: yes. Observed: 1 heterozygote. Not counted in ClinVar's aggregate classification.
Comment: This sequence change creates a premature translational stop signal (p.Asn2447Lysfs*2) in the BRCA2 gene. It is expected to result in an absent or disrupted protein product.

Ambry Genetics
Classification: Pathogenic for Hereditary cancer-predisposing syndrome. Last evaluated: 2025-03-19. Review status: criteria provided, single submitter. Criteria: Ambry Variant Classification Scheme 2023. Collection method: clinical testing. Allele origin: germline. Not counted in ClinVar's aggregate classification.
Comment: The c.7340dupA pathogenic mutation, located in coding exon 13 of the BRCA2 gene, results from a duplication of A at nucleotide position 7340, causing a translational frameshift with a predicted alternate stop codon (p.N2447Kfs*2). This variant was reported in individual(s) with features consistent with BRCA2-related cancer predisposition (Abdel-Razeq H et al. Mol Genet Genomic Med, 2023 Apr;11:e2125). This variant is considered to be rare based on population cohorts in the Genome Aggregation Database (gnomAD). This alteration is expected to result in loss of function by premature protein truncation or nonsense-mediated mRNA decay. As such, this alteration is interpreted as a disease-causing mutation.

Labcorp Genetics (formerly Invitae), Labcorp
Classification: Pathogenic for Hereditary breast ovarian cancer syndrome. Last evaluated: 2024-01-27. Review status: criteria provided, single submitter. Criteria: Invitae Variant Classification Sherloc (09022015). Collection method: clinical testing. Allele origin: germline. Not counted in ClinVar's aggregate classification.
Comment: This sequence change creates a premature translational stop signal (p.Asn2447Lysfs*2) in the BRCA2 gene. It is expected to result in an absent or disrupted protein product. Loss-of-function variants in BRCA2 are known to be pathogenic (PMID: 20104584). This variant is not present in population databases (gnomAD no frequency). This premature translational stop signal has been observed in individual(s) with BRCA2-related conditions (PMID: 36537080). ClinVar contains an entry for this variant (Variation ID: 188437). For these reasons, this variant has been classified as Pathogenic.

Literature cited by the submitters: PubMed 36537080 (cited by Ambry Genetics and Labcorp Genetics (formerly Invitae), Labcorp); PubMed 20104584 (cited by Labcorp Genetics (formerly Invitae), Labcorp).

NM_000059.4(BRCA2):c.7340dup (p.Asn2447fs)

Gene: BRCA2 (BRCA2 DNA repair associated; plus strand). Cytogenetic location: 13q13.1.
Variant type: Duplication.
Coding change: c.7340dup on transcript NM_000059.4 (MANE Select); coding-DNA position 7340, one base duplicated (A; older notation c.7340dupA).
Protein change: p.Asn2447fs; shifts the reading frame from asparagine 2447.
Molecular consequence: frameshift variant.
Genome position (GRCh38, 1-based): chr13:32,355,193, A duplicated; the last of 5 consecutive A bases (chr13:32,355,189-32,355,193); duplicating any one gives the same sequence. VCF-style (leftmost placement, unchanged base first): chr13-32355188-T-TA. GRCh37 (hg19) VCF-style: chr13-32929325-T-TA.
Other names: c.7340dupA (NM_000059.3); c.7340_7341insA (NM_000059.3); short protein forms N2447fs.
Identifiers: ClinVar variation 188437 (VCV000188437.7), dbSNP rs786204281, ClinGen allele CA273824.